The following is an entry in ClinVar:

ClinVar aggregate classification (germline): Uncertain significance. Review status: criteria provided, multiple submitters, no conflicts (2 of 4 stars). 3 submissions from 3 submitters: Uncertain significance (3). Last evaluated 2022-10-13.

Allele frequency attached by ClinVar (database versions not stated): gnomAD 0.00004; TOPMed 0.00006; ESP Exome Variant Server 0.00008.
gnomAD v4.1: 132 of 1,603,616 alleles (0.0082%); highest among the groups gnomAD compares: Non-Finnish European, 0.01%; no homozygotes.

Submissions (3):

Blueprint Genetics
Classification: Uncertain significance. Last evaluated: 2022-10-13. Review status: criteria provided, single submitter. Criteria: ACMG Guidelines, 2015. Collection method: clinical testing. Allele origin: germline.

Labcorp Genetics (formerly Invitae), Labcorp
Classification: Uncertain significance. Last evaluated: 2022-06-08. Review status: criteria provided, single submitter. Criteria: Invitae Variant Classification Sherloc (09022015). Collection method: clinical testing. Allele origin: germline.
Comment: This sequence change replaces threonine, which is neutral and polar, with methionine, which is neutral and non-polar, at codon 249 of the RLBP1 protein (p.Thr249Met). This variant is present in population databases (rs140131617, gnomAD 0.01%). This variant has not been reported in the literature in individuals affected with RLBP1-related conditions. ClinVar contains an entry for this variant (Variation ID: 593860). Algorithms developed to predict the effect of missense changes on protein structure and function are either unavailable or do not agree on the potential impact of this missense change (SIFT: "Deleterious"; PolyPhen-2: "Probably Damaging"; Align-GVGD: "Class C0"). In summary, the available evidence is currently insufficient to determine the role of this variant in disease. Therefore, it has been classified as a Variant of Uncertain Significance.

Eurofins Ntd Llc (ga)
Classification: Uncertain significance. Last evaluated: 2017-09-18. Review status: criteria provided, single submitter. Criteria: EGL Classification Definitions 2015. Collection method: clinical testing. Allele origin: germline. Observed: 1 variant allele, 1 heterozygote.

NM_000326.5(RLBP1):c.746C>T (p.Thr249Met)

Gene: RLBP1 (retinaldehyde binding protein 1; minus strand). Cytogenetic location: 15q26.1.
Variant type: single nucleotide variant.
Coding change: c.746C>T on transcript NM_000326.5 (MANE Select); coding-DNA position 746, C replaced by T.
Protein change: p.Thr249Met; replaces threonine 249 with methionine.
Molecular consequence: missense variant.
Genome position (GRCh38, 1-based): chr15:89,210,748, G>A on the plus strand (C>T on the coding strand, the complement: RLBP1 is on the minus strand). VCF-style: chr15-89210748-G-A. GRCh37 (hg19) VCF-style: chr15-89753979-G-A.
Other names: short protein forms T249M.
Identifiers: ClinVar variation 593860 (VCV000593860.12), dbSNP rs140131617, ClinGen allele CA7722201.